The following is an entry in ClinVar:

ClinVar aggregate classification (germline): Likely pathogenic (1 of 4 stars; one submission).

Conditions:
Hereditary acrodermatitis enteropathica (AEZ). Also called: Acrodermatitis enteropathica. Identifiers: Orphanet 37, MedGen C0221036, MONDO:0008713, OMIM 201100.

Submission:

Natera, Inc.
Classification: Likely pathogenic for Acrodermatitis enteropathica. Last evaluated: 2025-02-03. Review status: criteria provided, single submitter. Criteria: Natera Variant Classification Schema (03/2026). Collection method: clinical testing. Allele origin: germline.
Comment: The c.239C>A variant in SLC39A4 is a nonsense variant predicted to introduce a stop codon at amino acid 80. This variant is expected to result in nonsense mediated decay, truncation, or a dysfunctional protein product. This variant is rare in the general population with a frequency below the threshold expected for the associated phenotype(s). Given the available evidence, this variant is classified as Likely Pathogenic.

NM_130849.4(SLC39A4):c.239C>A (p.Ser80Ter)

Gene: SLC39A4 (solute carrier family 39 member 4; minus strand). Cytogenetic location: 8q24.3.
Variant type: single nucleotide variant.
Coding change: c.239C>A on transcript NM_130849.4 (MANE Select); coding-DNA position 239, C replaced by A.
Protein change: p.Ser80Ter; replaces serine 80 with a stop codon.
Molecular consequence: nonsense. On other transcripts: intron variant (1).
Genome position (GRCh38, 1-based): chr8:144,416,045, G>T on the plus strand (C>A on the coding strand, the complement: SLC39A4 is on the minus strand). VCF-style: chr8-144416045-G-T. GRCh37 (hg19) VCF-style: chr8-145641429-G-T.
Other names: c.164C>A, p.Ser55Ter (NM_017767.3); c.192+553C>A (NM_001374839.1); short protein forms S55*, S80*.
Identifiers: ClinVar variation 4061796 (VCV004061796.2).